The following is an entry in ClinVar:

NM_001034853.2(RPGR):c.2311_2314del (p.Glu771fs)

Gene: RPGR (retinitis pigmentosa GTPase regulator; minus strand). Cytogenetic location: Xp11.4.
Variant type: Deletion.
Coding change: c.2311_2314del on transcript NM_001034853.2 (MANE Select); coding-DNA positions 2311 to 2314, 4 bases deleted (GAGG; older notation c.2311_2314delGAGG).
Protein change: p.Glu771fs; shifts the reading frame from glutamic acid 771.
Molecular consequence: frameshift variant. On other transcripts: intron variant (8).
Genome position (GRCh38, 1-based): chrX:38,286,685-38,286,688, CCTC deleted on the plus strand (GAGG on the coding strand, the reverse complement: RPGR is on the minus strand); deleting any 4 consecutive bases within chrX:38,286,685-38,286,689 gives the same sequence; the c. name uses the placement nearest the transcript's 3' end. VCF-style (leftmost placement, unchanged base first): chrX-38286684-TCCTC-T. GRCh37 (hg19) VCF-style: chrX-38145937-TCCTC-T.
Other names: NM_001034853.2(RPGR):c.2311_2314del; p.Glu771fs; c.1569+4271_1569+4274del (NM_001367249.1, NM_001367250.1); c.1902+406_1902+409del (NM_001367245.1); c.1386+4271_1386+4274del (NM_001367251.1); c.1719+406_1719+409del (NM_001367246.1); c.1572+4271_1572+4274del (NM_001367247.1); c.1905+406_1905+409del (NM_000328.3); and 1 more; short protein forms E771fs.
Identifiers: ClinVar variation 2862720 (VCV002862720.4), dbSNP rs2519792080, ClinGen allele CA2695232670.

ClinVar aggregate classification (germline): Pathogenic. Review status: reviewed by expert panel (3 of 4 stars). 2 submissions from 2 submitters: Pathogenic (1). 1 of the submissions does not count toward it. Last evaluated 2026-11-20.

Conditions:
Primary ciliary dyskinesia. Also called: Ciliary dyskinesia. Identifiers: Orphanet 244, MedGen C0008780, MONDO:0016575, HP:0012265.
RPGR-related retinopathy. Also called: RPGR retinopathy. Identifiers: MedGen CN305589, MONDO:0100437.

Submissions (2):

ClinGen X-linked Inherited Retinal Disease Variant Curation Expert Panel, ClinGen
Classification: Pathogenic for RPGR-related retinopathy. Last evaluated: 2026-11-20. Review status: reviewed by expert panel. Criteria: ClinGen X LinkedIRD ACMG Specifications RPGR V1.0.0. Collection method: curation. Allele origin: germline. Inheritance: X-linked inheritance.
Comment: NM_001034853.2(RPGR):c.2311_2314del (p.Glu771LysfsTer?) is a frameshift variant caused by a 4-nucleotide deletion, which introduces a premature stop codon within exon 15 of 15 that is predicted to disrupt a critical C-terminal region required for proper glutamylation of RPGR (PVS1, PMID: 36445968). This variant is absent from hemizygous individuals in gnomAD v4.1.0 (PM2_Supporting). At least one proband harboring this variant exhibits a phenotype including decreased or absent cone and/or rod electroretinogram responses, first decade onset (1 pt), night blindness (0.5 pts), visual field constriction (0.5 pts) and pigmentary retinopathy (0.5 pts), with genotyping by whole exome sequencing that did not identify an alternative basis for retinal disease (2 pts), which together are specific for RPGR-related retinopathy (4.5 points, PMID: 36464167). In summary, this variant is classified as pathogenic for RPGR-related retinopathy based on the ClinGen X-linked Inherited Retinal Disease Expert Panel Specifications to the ACMG/AMP Variant Interpretation Guidelines for RPGR Version 1.0.0; PVS1, PM2_Supporting, and PP4.

Labcorp Genetics (formerly Invitae), Labcorp
Classification: Pathogenic for Primary ciliary dyskinesia. Last evaluated: 2023-05-08. Review status: criteria provided, single submitter. Criteria: Invitae Variant Classification Sherloc (09022015). Collection method: clinical testing. Allele origin: germline. Not counted in ClinVar's aggregate classification.
Comment: This sequence change creates a premature translational stop signal (p.Glu771Lysfs*43) in the RPGR (ORF15) gene. While this is not anticipated to result in nonsense mediated decay, it is expected to disrupt the last 382 amino acid(s) of the RPGR (ORF15) protein. This variant is not present in population databases (gnomAD no frequency). This variant has not been reported in the literature in individuals affected with RPGR (ORF15)-related conditions. This variant disrupts a region of the RPGR (ORF15) protein in which other variant(s) (p.Leu1130Lysfs*13) have been determined to be pathogenic (PMID: 22264887; Invitae). This suggests that this is a clinically significant region of the protein, and that variants that disrupt it are likely to be disease-causing. For these reasons, this variant has been classified as Pathogenic.

Literature cited by the submitters: PubMed 22264887 (cited by Labcorp Genetics (formerly Invitae), Labcorp).